The following is an entry in ClinVar:

NM_015570.4(AUTS2):c.1599C>G (p.His533Gln)

Gene: AUTS2 (activator of transcription and developmental regulator AUTS2; plus strand). Cytogenetic location: 7q11.22.
Variant type: single nucleotide variant.
Coding change: c.1599C>G on transcript NM_015570.4 (MANE Select); coding-DNA position 1599, C replaced by G.
Protein change: p.His533Gln; replaces histidine 533 with glutamine.
Molecular consequence: missense variant.
Genome position (GRCh38, 1-based): chr7:70,766,244, C>G. VCF-style: chr7-70766244-C-G. GRCh37 (hg19) VCF-style: chr7-70231230-C-G.
Other names: c.1599C>G, p.His533Gln (NM_001127231.3); short protein forms H533Q.
Identifiers: ClinVar variation 2632858 (VCV002632858.2), dbSNP rs2484683458, ClinGen allele CA367668929.

ClinVar aggregate classification (germline): Uncertain significance (1 of 4 stars; one submission).

Conditions:
AUTS2-related disorder. Also called: AUTS2-related condition.

Submission:

PreventionGenetics, part of Exact Sciences
Classification: Uncertain significance for AUTS2-related condition. Last evaluated: 2026-09-09. Review status: criteria provided, single submitter. Criteria: ACMG Guidelines, 2015. Collection method: clinical testing. Allele origin: germline.
Comment: The AUTS2 c.1599C>G variant is predicted to result in the amino acid substitution p.His533Gln. To our knowledge, this variant has not been reported in the literature or in a large population database, indicating this variant is rare. An alternate missense change at the same amino acid position (p.His533Tyr) has been reported as a de novo variant in an individual affected with AUTS2-related disorders (Erdogan et al. 2025. PMID: 40317680). Although we suspect that the p.His533Gln variant may be pathogenic, at this time, the clinical significance of this variant is uncertain due to the absence of conclusive functional and genetic evidence.